The following is an entry in ClinVar:

ClinVar aggregate classification (germline): Uncertain significance (1 of 4 stars; one submission).

Submission:

Labcorp Genetics (formerly Invitae), Labcorp
Classification: Uncertain significance. Last evaluated: 2021-12-07. Review status: criteria provided, single submitter. Criteria: Invitae Variant Classification Sherloc (09022015). Collection method: clinical testing. Allele origin: germline.
Comment: This variant has not been reported in the literature in individuals affected with MS4A1-related conditions. This variant is present in population databases (no rsID available, gnomAD 0.003%). This variant, c.687_689del, results in the deletion of 1 amino acid(s) of the MS4A1 protein (p.Leu230del), but otherwise preserves the integrity of the reading frame. Experimental studies and prediction algorithms are not available or were not evaluated, and the functional significance of this variant is currently unknown. In summary, the available evidence is currently insufficient to determine the role of this variant in disease. Therefore, it has been classified as a Variant of Uncertain Significance.

NM_152866.3(MS4A1):c.687_689del (p.Leu230del)

Gene: MS4A1 (membrane spanning 4-domains A1; plus strand). Cytogenetic location: 11q12.2.
Variant type: Deletion.
Coding change: c.687_689del on transcript NM_152866.3 (MANE Select); coding-DNA positions 687 to 689, 3 bases deleted (CCT; older notation c.687_689delCCT).
Protein change: p.Leu230del; deletes leucine 230.
Molecular consequence: inframe deletion.
Genome position (GRCh38, 1-based): chr11:60,468,261-60,468,263, CCT deleted; deleting any 3 consecutive bases within chr11:60,468,259-60,468,263 gives the same sequence; the c. name uses the placement nearest the transcript's 3' end. VCF-style (leftmost placement, unchanged base first): chr11-60468258-TCTC-T. GRCh37 (hg19) VCF-style: chr11-60235731-TCTC-T.
Other names: c.687_689del, p.Leu230del (NM_021950.4, NM_152867.2); short protein forms L230del.
Identifiers: ClinVar variation 1398761 (VCV001398761.6), dbSNP rs1565195820, ClinGen allele CA599793284.